The following is an entry in ClinVar:

ClinVar aggregate classification (germline): Uncertain significance (1 of 4 stars; one submission).

Submission:

Ambry Genetics
Classification: Uncertain significance. Last evaluated: 2026-06-03. Review status: criteria provided, single submitter. Criteria: Ambry Variant Classification Scheme 2023. Collection method: clinical testing. Allele origin: germline.
Comment: The c.1270G>A (p.D424N) alteration is located in exon 9 (coding exon 9) of the RGPD8 gene. This alteration results from a G to A substitution at nucleotide position 1270, causing the aspartic acid (D) at amino acid position 424 to be replaced by an asparagine (N). Based on data from gnomAD, the A allele has an overall frequency of 0.002% (2/83034) total alleles studied. The highest observed frequency was 0.009% (1/11460) of Latino alleles. Based on insufficient or conflicting evidence, the clinical significance of this alteration remains unclear.

NM_001164463.1(RGPD8):c.1270G>A (p.Asp424Asn)

Gene: RGPD8 (RANBP2 like and GRIP domain containing 8; minus strand). Cytogenetic location: 2q14.1.
Variant type: single nucleotide variant.
Coding change: c.1270G>A on transcript NM_001164463.1 (MANE Select); coding-DNA position 1270, G replaced by A.
Protein change: p.Asp424Asn; replaces aspartic acid 424 with asparagine.
Molecular consequence: missense variant.
Genome position (GRCh38, 1-based): chr2:112,403,972, C>T on the plus strand (G>A on the coding strand, the complement: RGPD8 is on the minus strand). VCF-style: chr2-112403972-C-T. GRCh37 (hg19) VCF-style: chr2-113161549-C-T.
Other names: short protein forms D424N.
Identifiers: ClinVar variation 4863303 (VCV004863303.1).